The following is an entry in ClinVar:

ClinVar aggregate classification (germline): Uncertain significance (1 of 4 stars; one submission).

Submission:

Mayo Clinic Laboratories, Mayo Clinic
Classification: Uncertain significance. Last evaluated: 2023-12-20. Review status: criteria provided, single submitter. Criteria: ACMG Guidelines, 2015. Collection method: clinical testing. Allele origin: germline. Observed: 1 variant allele.
Comment: PP3, PM2_moderate, PM3

Literature cited by the submitters: PubMed 28536718.

NM_000552.5(VWF):c.2396G>A (p.Cys799Tyr)

Gene: VWF (von Willebrand factor; minus strand). Cytogenetic location: 12p13.31.
Variant type: single nucleotide variant.
Coding change: c.2396G>A on transcript NM_000552.5 (MANE Select); coding-DNA position 2396, G replaced by A.
Protein change: p.Cys799Tyr; replaces cysteine 799 with tyrosine.
Molecular consequence: missense variant.
Genome position (GRCh38, 1-based): chr12:6,044,337, C>T on the plus strand (G>A on the coding strand, the complement: VWF is on the minus strand). VCF-style: chr12-6044337-C-T. GRCh37 (hg19) VCF-style: chr12-6153503-C-T.
Other names: p.Cys799Tyr; short protein forms C799Y.
Identifiers: ClinVar variation 3380077 (VCV003380077.1).